The following is an entry in ClinVar:

NM_000458.4(HNF1B):c.335G>C (p.Arg112Pro)

Gene: HNF1B (HNF1 homeobox B; minus strand). Cytogenetic location: 17q12.
Variant type: single nucleotide variant.
Coding change: c.335G>C on transcript NM_000458.4 (MANE Select); coding-DNA position 335, G replaced by C.
Protein change: p.Arg112Pro; replaces arginine 112 with proline.
Molecular consequence: missense variant.
Genome position (GRCh38, 1-based): chr17:37,744,550, C>G on the plus strand (G>C on the coding strand, the complement: HNF1B is on the minus strand). VCF-style: chr17-37744550-C-G. GRCh37 (hg19) VCF-style: chr17-36104541-C-G.
Other names: c.335G>C, p.Arg112Pro (NM_001165923.4, NM_001304286.2); short protein forms R112P.
Identifiers: ClinVar variation 635715 (VCV000635715.1), dbSNP rs953274911, ClinGen allele CA398752937.
Genomic context (GRCh38, chr17:37,744,550, plus strand): 5'-CCGGGGCTCCAGGGGTTCGGGTGGGTCCCCTCCACCTCGCTCTGCGCCTACCTGAGCATC[C>G]GGTCCACCTCCGCCCGCTGCTCCGCCGCCTCCTCGGTGTTGAGCGCCTGCAGCTCCTTGA-3'
Protein context (NP_000449.1, residues 102-122): EAAEQRAEVD[Arg112Pro]MLSEDPWRAA

ClinVar aggregate classification (germline): Pathogenic (1 of 4 stars; one submission).

Conditions:
Renal cysts and diabetes syndrome (RCAD). Also called: Familial hypoplastic, glomerulocystic kidney; MATURITY-ONSET DIABETES OF THE YOUNG, TYPE 5. Identifiers: Orphanet 93111, MedGen C0431693, MONDO:0007669, OMIM 137920.

Submission:

Institute of Human Genetics, FAU Erlangen, Friedrich-Alexander-Universität Erlangen-Nürnberg
Classification: Pathogenic for Renal cysts and diabetes syndrome. Last evaluated: 2019-07-06. Review status: criteria provided, single submitter. Criteria: ACMG Guidelines, 2015. Collection method: literature only. Allele origin: germline. Affected: yes.
Comment: This variant and it's classification has been reported by Vasileiou et al. 2019; DOI:10.1101/576918. The variants has previously been reported in PMID:25700310; PMID:16249435; PMID:15068978; PMID:25536396 as "c.335G>C; c.335G>C" with clinical significance Pathogenic. It has been re-classified using InterVar and manual curation as Pathogenic based on PS4 PM1 PM2 PP3 PP5.

Literature cited by the submitters: PubMed 25700310; PubMed 16249435; PubMed 15068978; PubMed 25536396; DOI 10.1101/576918.